The following is an entry in ClinVar:

NM_001164508.2(NEB):c.334C>A (p.Pro112Thr)

Gene: NEB (nebulin; minus strand). Cytogenetic location: 2q23.3.
Variant type: single nucleotide variant.
Coding change: c.334C>A on transcript NM_001164508.2 (MANE Select); coding-DNA position 334, C replaced by A.
Protein change: p.Pro112Thr; replaces proline 112 with threonine.
Molecular consequence: missense variant.
Genome position (GRCh38, 1-based): chr2:151,725,521, G>T on the plus strand (C>A on the coding strand, the complement: NEB is on the minus strand). VCF-style: chr2-151725521-G-T. GRCh37 (hg19) VCF-style: chr2-152582035-G-T.
Other names: c.334C>A, p.Pro112Thr (NM_001164507.2, NM_001271208.2, NM_004543.5); c.334C>A (NM_004543.4); short protein forms P112T.
Identifiers: ClinVar variation 1497190 (VCV001497190.5), dbSNP rs369292364, ClinGen allele CA1911935.

ClinVar aggregate classification (germline): Uncertain significance. Review status: criteria provided, multiple submitters, no conflicts (2 of 4 stars). 2 submissions from 2 submitters: Uncertain significance (2). Last evaluated 2025-06-07.

Conditions:
Inborn genetic diseases. Identifiers: MedGen C0950123, MeSH D030342.
Nemaline myopathy 2 (NEM2). Also called: Nemaline myopathy 2, autosomal recessive. Identifiers: MedGen C1850569, MONDO:0009725, OMIM 256030.

Allele frequency attached by ClinVar (database versions not stated): gnomAD exomes below 0.00001; TOPMed 0.00001; ExAC 0.00001; gnomAD 0.00001; ESP Exome Variant Server 0.00017.
gnomAD v4.1: 10 of 1,613,266 alleles (0.00062%); highest among the groups gnomAD compares: Non-Finnish European, 0.00085%; no homozygotes.

Submissions (2):

Ambry Genetics
Classification: Uncertain significance for Inborn genetic diseases. Last evaluated: 2025-06-07. Review status: criteria provided, single submitter. Criteria: Ambry Variant Classification Scheme 2023. Collection method: clinical testing. Allele origin: germline.

Labcorp Genetics (formerly Invitae), Labcorp
Classification: Uncertain significance for Nemaline myopathy 2. Last evaluated: 2021-08-14. Review status: criteria provided, single submitter. Criteria: Invitae Variant Classification Sherloc (09022015). Collection method: clinical testing. Allele origin: germline.
Comment: This variant has not been reported in the literature in individuals affected with NEB-related conditions. This variant is present in population databases (rs369292364, ExAC 0.001%). This sequence change replaces proline with threonine at codon 112 of the NEB protein (p.Pro112Thr). The proline residue is moderately conserved and there is a small physicochemical difference between proline and threonine. In summary, the available evidence is currently insufficient to determine the role of this variant in disease. Therefore, it has been classified as a Variant of Uncertain Significance. Algorithms developed to predict the effect of missense changes on protein structure and function are either unavailable or do not agree on the potential impact of this missense change (SIFT: "Deleterious"; PolyPhen-2: "Not Available"; Align-GVGD: "Class C0").